The following is an entry in ClinVar:

NM_004589.4(SCO1):c.673G>A (p.Val225Ile)

Gene: SCO1 (synthesis of cytochrome C oxidase 1; minus strand). Cytogenetic location: 17p13.1.
Variant type: single nucleotide variant.
Coding change: c.673G>A on transcript NM_004589.4 (MANE Select); coding-DNA position 673, G replaced by A.
Protein change: p.Val225Ile; replaces valine 225 with isoleucine.
Molecular consequence: missense variant.
Genome position (GRCh38, 1-based): chr17:10,686,825, C>T on the plus strand (G>A on the coding strand, the complement: SCO1 is on the minus strand). VCF-style: chr17-10686825-C-T. GRCh37 (hg19) VCF-style: chr17-10590142-C-T.
Other names: short protein forms V225I.
Identifiers: ClinVar variation 321793 (VCV000321793.11), dbSNP rs886052595, ClinGen allele CA10649489.

ClinVar aggregate classification (germline): Conflicting classifications of pathogenicity. Review status: criteria provided, conflicting classifications (1 of 4 stars). 3 submissions from 3 submitters: Uncertain significance (2); Likely benign (1). Last evaluated 2024-12-02.

Conditions:
Leigh syndrome (NULS). Also called: Leigh's syndrome; LEIGH SYNDROME, NUCLEAR; Subacute necrotizing encephalopathy; Necrotizing encephalopathy infantile subacute of Leigh; Leigh's necrotizing encephalopathy; Leigh's disease. Identifiers: Orphanet 506, MedGen C2931891, MONDO:0009723, OMIM 256000.

Allele frequency attached by ClinVar (database versions not stated): gnomAD exomes 0.00001.
gnomAD v4.1: 3 of 1,613,074 alleles (0.00019%); highest among the groups gnomAD compares: South Asian, 0.0033%; no homozygotes.

Submissions (3):

Labcorp Genetics (formerly Invitae), Labcorp
Classification: Uncertain significance. Last evaluated: 2024-12-02. Review status: criteria provided, single submitter. Criteria: Invitae Variant Classification Sherloc (09022015). Collection method: clinical testing. Allele origin: germline.
Comment: This sequence change replaces valine, which is neutral and non-polar, with isoleucine, which is neutral and non-polar, at codon 225 of the SCO1 protein (p.Val225Ile). This variant is present in population databases (no rsID available, gnomAD 0.006%). This variant has not been reported in the literature in individuals affected with SCO1-related conditions. ClinVar contains an entry for this variant (Variation ID: 321793). Invitae Evidence Modeling of protein sequence and biophysical properties (such as structural, functional, and spatial information, amino acid conservation, physicochemical variation, residue mobility, and thermodynamic stability) indicates that this missense variant is not expected to disrupt SCO1 protein function with a negative predictive value of 80%. In summary, the available evidence is currently insufficient to determine the role of this variant in disease. Therefore, it has been classified as a Variant of Uncertain Significance.

Blueprint Genetics
Classification: Likely benign. Last evaluated: 2022-10-28. Review status: criteria provided, single submitter. Criteria: ACMG Guidelines, 2015. Collection method: clinical testing. Allele origin: germline.

Illumina Laboratory Services, Illumina
Classification: Uncertain significance for Leigh syndrome. Last evaluated: 2018-01-12. Review status: criteria provided, single submitter. Criteria: ICSL Variant Classification Criteria 13 December 2019. Collection method: clinical testing. Allele origin: germline.